The following is an entry in ClinVar:

NM_138694.4(PKHD1):c.6091del (p.Ala2031fs)

Gene: PKHD1 (PKHD1 ciliary IPT domain containing fibrocystin/polyductin; minus strand). Cytogenetic location: 6p12.2.
Variant type: Deletion.
Coding change: c.6091del on transcript NM_138694.4 (MANE Select); coding-DNA position 6091, one base deleted (G; older notation c.6091delG).
Protein change: p.Ala2031fs; shifts the reading frame from alanine 2031.
Molecular consequence: frameshift variant.
Genome position (GRCh38, 1-based): chr6:51,934,140, C deleted on the plus strand (G on the coding strand, the reverse complement: PKHD1 is on the minus strand); the first of 2 consecutive C bases (chr6:51,934,140-51,934,141); deleting either gives the same sequence. VCF-style (leftmost placement, unchanged base first): chr6-51934139-GC-G. GRCh37 (hg19) VCF-style: chr6-51798937-GC-G.
Other names: c.6091del, p.Ala2031fs (NM_170724.3); c.6091del (NM_170724.2, NM_138694.3); short protein forms A2031fs.
Identifiers: ClinVar variation 370835 (VCV000370835.24), dbSNP rs1057516804, ClinGen allele CA16041048.

ClinVar aggregate classification (germline): Pathogenic/Likely pathogenic. Review status: criteria provided, multiple submitters, no conflicts (2 of 4 stars). 6 submissions from 6 submitters: Pathogenic (4); Likely pathogenic (1). 1 of the submissions does not count toward it. Last evaluated 2025-05-08.

Conditions:
Autosomal recessive polycystic kidney disease (ARPKD). Also called: AR polycystic kidney disease. Identifiers: Orphanet 731, Orphanet 8378, MedGen C0085548, MeSH D017044, MONDO:0009889.
Polycystic kidney disease 4 (PKD4). Also called: POLYCYSTIC KIDNEY DISEASE 4 WITH OR WITHOUT POLYCYSTIC LIVER DISEASE; PKD3; Autosomal Recessive Polycystic Kidney Disease – PKHD1; POLYCYSTIC KIDNEY AND HEPATIC DISEASE 1; POLYCYSTIC KIDNEY DISEASE, INFANTILE, TYPE I. Identifiers: MedGen C4540575, MONDO:0033004, OMIM 263200.

Submissions (6):

Natera, Inc.
Classification: Pathogenic for Autosomal recessive polycystic kidney disease. Last evaluated: 2025-05-08. Review status: criteria provided, single submitter. Criteria: Natera Variant Classification Schema (03/2026). Collection method: clinical testing. Allele origin: germline.
Comment: The c.6091delG variant in PKHD1 is a frameshift variant predicted to shift the reading frame beginning at codon 2031 and leads to a stop codon 2 codons downstream. This variant is expected to result in nonsense mediated decay, truncation, or a dysfunctional protein product. This variant is rare in the general population with a frequency below the threshold expected for the associated phenotype(s). This variant has been observed in one or more individuals affected with the associated recessive disease, as either homozygous or compound heterozygous with a second variant (PMID: 33123899, 31730820). Given the available evidence, this variant is classified as Pathogenic.

Labcorp Genetics (formerly Invitae), Labcorp
Classification: Pathogenic for Autosomal recessive polycystic kidney disease. Last evaluated: 2024-02-17. Review status: criteria provided, single submitter. Criteria: Invitae Variant Classification Sherloc (09022015). Collection method: clinical testing. Allele origin: germline.
Comment: This sequence change creates a premature translational stop signal (p.Ala2031Leufs*2) in the PKHD1 gene. It is expected to result in an absent or disrupted protein product. Loss-of-function variants in PKHD1 are known to be pathogenic (PMID: 19940839). This variant is not present in population databases (gnomAD no frequency). This premature translational stop signal has been observed in individual(s) with clinical features of PKHD1-related conditions (PMID: 31730820, 33123899). ClinVar contains an entry for this variant (Variation ID: 370835). For these reasons, this variant has been classified as Pathogenic.

Women's Health and Genetics/Laboratory Corporation of America, LabCorp
Classification: Pathogenic for Autosomal recessive polycystic kidney disease. Last evaluated: 2021-03-09. Review status: criteria provided, single submitter. Criteria: LabCorp Variant Classification Summary - May 2015. Collection method: clinical testing. Allele origin: germline.
Comment: Variant summary: PKHD1 c.6091delG (p.Ala2031LeufsX2) results in a premature termination codon, predicted to cause a truncation of the encoded protein or absence of the protein due to nonsense mediated decay, which are commonly known mechanisms for disease. Truncations downstream of this position have been classified as pathogenic by our laboratory. The variant was absent in 251292 control chromosomes (gnomAD). c.6091delG has been reported in the literature in individuals affected with Polycystic Kidney And Hepatic Disease (Liang_2019, Qiu_2020, Wang_2021). These data indicate that the variant is likely to be associated with disease. To our knowledge, no experimental evidence demonstrating an impact on protein function has been reported. Two ClinVar submitters (evaluation after 2014) cite the variant as pathogenic an likely pathogenic. Based on the evidence outlined above, the variant was classified as pathogenic.

Baylor Genetics
Classification: Likely pathogenic for Polycystic kidney disease 4. Review status: criteria provided, single submitter. Criteria: ACMG Guidelines, 2015. Collection method: clinical testing. Allele origin: germline.

Juno Genomics, Hangzhou Juno Genomics, Inc
Classification: Pathogenic for Polycystic kidney disease 4. Review status: criteria provided, single submitter. Criteria: ACMG Guidelines, 2015. Collection method: clinical testing. Allele origin: germline.
Comment: Absent from controls (or at extremely low frequency if recessive) in Genome Aggregation Database.;Null variant in a gene where loss of function (LOF) is a known mechanism of disease.;For recessive disorders, detected in trans with a pathogenic variant.;Patient's phenotype or family history is highly specific for a disease with a single genetic etiology.

Counsyl
Classification: Likely pathogenic for Polycystic kidney disease 4. Last evaluated: 2016-04-22. Review status: no assertion criteria provided. Collection method: clinical testing. Allele origin: unknown. Not counted in ClinVar's aggregate classification.

Literature cited by the submitters: PubMed 33123899 (cited by 3 submitters); PubMed 31730820 (cited by 3 submitters); PubMed 19940839 (cited by Labcorp Genetics (formerly Invitae), Labcorp); PubMed 33569422 (cited by Women's Health and Genetics/Laboratory Corporation of America, LabCorp); PubMed 30275481 (cited by Women's Health and Genetics/Laboratory Corporation of America, LabCorp).